The following is an entry in ClinVar:

ClinVar aggregate classification (germline): Uncertain significance (1 of 4 stars; one submission).

Conditions:
Cortical dysplasia-focal epilepsy syndrome (PTHSL1). Also called: Pitt-Hopkins-like syndrome 1. Identifiers: Orphanet 163681, Orphanet 221150, MedGen C2750246, MONDO:0012400, OMIM 610042.

Submission:

Labcorp Genetics (formerly Invitae), Labcorp
Classification: Uncertain significance for Cortical dysplasia-focal epilepsy syndrome. Last evaluated: 2023-08-18. Review status: criteria provided, single submitter. Criteria: Invitae Variant Classification Sherloc (09022015). Collection method: clinical testing. Allele origin: germline.
Comment: This sequence change replaces glutamic acid, which is acidic and polar, with glycine, which is neutral and non-polar, at codon 1328 of the CNTNAP2 protein (p.Glu1328Gly). In summary, the available evidence is currently insufficient to determine the role of this variant in disease. Therefore, it has been classified as a Variant of Uncertain Significance. An algorithm developed to predict the effect of missense changes on protein structure and function (PolyPhen-2) suggests that this variant is likely to be disruptive. This variant is not present in population databases (gnomAD no frequency). This variant has not been reported in the literature in individuals affected with CNTNAP2-related conditions. ClinVar contains an entry for this variant (Variation ID: 2114226).

NM_014141.6(CNTNAP2):c.3983A>G (p.Glu1328Gly)

Gene: CNTNAP2 (contactin associated protein 2; plus strand). Cytogenetic location: 7q36.1.
Variant type: single nucleotide variant.
Coding change: c.3983A>G on transcript NM_014141.6 (MANE Select); coding-DNA position 3983, A replaced by G.
Protein change: p.Glu1328Gly; replaces glutamic acid 1328 with glycine.
Molecular consequence: missense variant.
Genome position (GRCh38, 1-based): chr7:148,415,603, A>G. VCF-style: chr7-148415603-A-G. GRCh37 (hg19) VCF-style: chr7-148112695-A-G.
Other names: short protein forms E1328G.
Identifiers: ClinVar variation 2114226 (VCV002114226.4), dbSNP rs2485760581, ClinGen allele CA369707037.
Genomic context (GRCh38, chr7:148,415,603, plus strand): 5'-ACGCCGCCATCATGAACAACGACCCCAACTTCACAGAGACCATTGATGAAAGCAAAAAGG[A>G]ATGGCTCATTTGAGGGGTGGCTACTTGGCTATGGGATAGGGAGGAGGGAATTACTAGGGA-3'
Protein context (NP_054860.1, residues 1318-1331): FTETIDESKK[Glu1328Gly]WLI